The following is an entry in ClinVar:

ClinVar aggregate classification (germline): Benign (1 of 4 stars; one submission).

Allele frequency attached by ClinVar (database versions not stated): 1000 Genomes Project 30x 0.82714; TOPMed 0.77316; gnomAD 0.75736; 1000 Genomes Project 0.82528.
gnomAD v4.1: 114,937 of 152,152 alleles (76%); highest among the groups gnomAD compares: African/African-American, 93%; 44,659 homozygotes.

Submission:

Unidad de Genómica Garrahan, Hospital de Pediatría Garrahan
Classification: Benign. Last evaluated: 2024-01-24. Review status: criteria provided, single submitter. Criteria: ACMG Guidelines, 2015. Collection method: clinical testing. Allele origin: germline. Affected: no. Observed: 90 variant alleles.
Comment: This variant is classified as Benign based on local population frequency. This variant was detected in 95% of patients studied by a panel of primary immunodeficiencies. Number of patients: 90. Only high quality variants are reported.

NM_001410858.1(EPG5):c.7577T>C (p.Phe2526Ser)

Gene: EPG5 (ectopic P-granules 5 autophagy tethering factor; minus strand). Cytogenetic location: 18q12.3.
Variant type: single nucleotide variant.
Coding change: c.7577T>C on transcript NM_001410858.1; coding-DNA position 7577, T replaced by C.
Protein change: p.Phe2526Ser; replaces phenylalanine 2526 with serine.
Molecular consequence: missense variant.
Genome position (GRCh38, 1-based): chr18:45,800,871, A>G on the plus strand (T>C on the coding strand, the complement: EPG5 is on the minus strand). VCF-style: chr18-45800871-A-G. GRCh37 (hg19) VCF-style: chr18-43380836-A-G.
Other names: short protein forms F2526S.
Identifiers: ClinVar variation 2687932 (VCV002687932.2), dbSNP rs559774, ClinGen allele CA14515970.